The following is an entry in ClinVar:

NM_014996.4(PLCH1):c.913T>C (p.Leu305=)

Gene: PLCH1 (phospholipase C eta 1; minus strand). Cytogenetic location: 3q25.31.
Variant type: single nucleotide variant.
Coding change: c.913T>C on transcript NM_014996.4 (MANE Select); coding-DNA position 913, T replaced by C.
Protein change: p.Leu305=; no amino-acid change (leucine 305 retained).
Molecular consequence: synonymous variant.
Genome position (GRCh38, 1-based): chr3:155,565,071, A>G on the plus strand (T>C on the coding strand, the complement: PLCH1 is on the minus strand). VCF-style: chr3-155565071-A-G. GRCh37 (hg19) VCF-style: chr3-155282860-A-G.
Other names: c.877T>C, p.Leu293= (NM_001130960.2, NM_001130961.2, NM_001349250.2); c.913T>C, p.Leu305= (NM_001349251.2, NM_001349252.2).
Identifiers: ClinVar variation 3770828 (VCV003770828.13).

ClinVar aggregate classification (germline): Likely benign (1 of 4 stars; one submission).

gnomAD v4.1: 997 of 1,613,844 alleles (0.062%); highest among the groups gnomAD compares: Non-Finnish European, 0.081%; no homozygotes.

Submission:

CeGaT Center for Human Genetics Tuebingen
Classification: Likely benign. Last evaluated: 2025-02-01. Review status: criteria provided, single submitter. Criteria: CeGaT Center For Human Genetics Tuebingen Variant Classification Criteria Version 2. Collection method: clinical testing. Allele origin: germline. Affected: yes. Observed: 1 variant allele.
Comment: PLCH1: BP4, BP7